The following is an entry in ClinVar:

ClinVar aggregate classification (germline): Uncertain significance. Review status: criteria provided, multiple submitters, no conflicts (2 of 4 stars). 4 submissions from 4 submitters: Uncertain significance (4). Last evaluated 2025-11-08.

Conditions:
Leukoencephalopathy-thalamus and brainstem anomalies-high lactate syndrome. Also called: LEUKOENCEPHALOPATHY WITH THALAMUS AND BRAINSTEM INVOLVEMENT AND HIGH LACTATE; Combined oxidative phosphorylation deficiency 12. Identifiers: Orphanet 314051, MedGen C4706421, MONDO:0013971, OMIM 614924.
Inborn genetic diseases. Identifiers: MedGen C0950123, MeSH D030342.

Allele frequency attached by ClinVar (database versions not stated): ExAC 0.00003; gnomAD 0.00003; gnomAD exomes 0.00004; TOPMed 0.00006; ESP Exome Variant Server 0.00008.
gnomAD v4.1: 43 of 1,614,028 alleles (0.0027%); highest among the groups gnomAD compares: Admixed American, 0.01%; no homozygotes.

Submissions (4):

Ambry Genetics
Classification: Uncertain significance for Inborn genetic diseases. Last evaluated: 2025-11-08. Review status: criteria provided, single submitter. Criteria: Ambry Variant Classification Scheme 2023. Collection method: clinical testing. Allele origin: germline.

Blueprint Genetics
Classification: Uncertain significance. Last evaluated: 2023-11-06. Review status: criteria provided, single submitter. Criteria: ACMG Guidelines, 2015. Collection method: clinical testing. Allele origin: germline.

3billion
Classification: Uncertain significance for Leukoencephalopathy-thalamus and brainstem anomalies-high lactate syndrome. Last evaluated: 2023-02-23. Review status: criteria provided, single submitter. Criteria: ACMG Guidelines, 2015. Collection method: clinical testing. Allele origin: unknown. Affected: yes.
Comment: The variant is observed at an extremely low frequency in the gnomAD v2.1.1 dataset (total allele frequency: 0.004%). Missense changes are a common disease-causing mechanism. In silico tool predictions suggest damaging effect of the variant on gene or gene product (3Cnet: 0.98). Therefore, this variant is classified as VUS according to the recommendation of ACMG/AMP guideline.

Labcorp Genetics (formerly Invitae), Labcorp
Classification: Uncertain significance. Last evaluated: 2022-09-07. Review status: criteria provided, single submitter. Criteria: Invitae Variant Classification Sherloc (09022015). Collection method: clinical testing. Allele origin: germline.
Comment: In summary, the available evidence is currently insufficient to determine the role of this variant in disease. Therefore, it has been classified as a Variant of Uncertain Significance. Advanced modeling of protein sequence and biophysical properties (such as structural, functional, and spatial information, amino acid conservation, physicochemical variation, residue mobility, and thermodynamic stability) performed at Invitae indicates that this missense variant is expected to disrupt EARS2 protein function. ClinVar contains an entry for this variant (Variation ID: 1384647). This variant has not been reported in the literature in individuals affected with EARS2-related conditions. This variant is present in population databases (rs201848368, gnomAD 0.05%). This sequence change replaces arginine, which is basic and polar, with cysteine, which is neutral and slightly polar, at codon 82 of the EARS2 protein (p.Arg82Cys).

NM_001083614.2(EARS2):c.244C>T (p.Arg82Cys)

Gene: EARS2 (glutamyl-tRNA synthetase 2, mitochondrial; minus strand). Cytogenetic location: 16p12.2.
Variant type: single nucleotide variant.
Coding change: c.244C>T on transcript NM_001083614.2 (MANE Select); coding-DNA position 244, C replaced by T.
Protein change: p.Arg82Cys; replaces arginine 82 with cysteine.
Molecular consequence: missense variant. On other transcripts: non-coding transcript variant (1).
Genome position (GRCh38, 1-based): chr16:23,552,200, G>A on the plus strand (C>T on the coding strand, the complement: EARS2 is on the minus strand). VCF-style: chr16-23552200-G-A. GRCh37 (hg19) VCF-style: chr16-23563521-G-A.
Other names: c.244C>T (NM_001083614.1); c.244C>T, p.Arg82Cys (NM_001308211.1); short protein forms R82C.
Identifiers: ClinVar variation 1384647 (VCV001384647.8), dbSNP rs201848368, ClinGen allele CA7962668.